The following is an entry in ClinVar:

ClinVar aggregate classification (germline): Likely pathogenic (1 of 4 stars; one submission).

Conditions:
Amelogenesis imperfecta hypomaturation type 2A3. Also called: Amelogenesis imperfecta, type IIA3. Identifiers: Orphanet 88661, MedGen C2750771, MONDO:0013181, OMIM 613211. Disease mechanism: loss of function.

Submission:

Juno Genomics, Hangzhou Juno Genomics, Inc
Classification: Likely pathogenic for Amelogenesis imperfecta hypomaturation type 2A3. Review status: criteria provided, single submitter. Criteria: ACMG Guidelines, 2015. Collection method: clinical testing. Allele origin: germline. Affected: yes.
Comment: Absent from controls (or at extremely low frequency if recessive) in Genome Aggregation Database, Exome Sequencing Project, 1000 Genomes Project, or Exome Aggregation Consortium.;Null variant in a gene where loss of function (LOF) is a known mechanism of disease.

NM_182758.4(WDR72):c.2555del (p.Gly852fs)

Gene: WDR72 (WD repeat domain 72; minus strand). Cytogenetic location: 15q21.3.
Variant type: Deletion.
Coding change: c.2555del on transcript NM_182758.4 (MANE Select); coding-DNA position 2555, one base deleted (G; older notation c.2555delG).
Protein change: p.Gly852fs; shifts the reading frame from glycine 852.
Molecular consequence: frameshift variant. On other transcripts: non-coding transcript variant (1).
Genome position (GRCh38, 1-based): chr15:53,615,651, C deleted on the plus strand (G on the coding strand, the reverse complement: WDR72 is on the minus strand); the first of 2 consecutive C bases (chr15:53,615,651-53,615,652); deleting either gives the same sequence. VCF-style (leftmost placement, unchanged base first): chr15-53615650-TC-T. GRCh37 (hg19) VCF-style: chr15-53907847-TC-T.
Other names: short protein forms G852fs.
Identifiers: ClinVar variation 3382480 (VCV003382480.2).
Genomic context (GRCh38, chr15:53,615,650, plus strand): 5'-ATCTGACAAGTCCAAAACTTTCCTGGAAAATAAATTTACTCCTGAATAGTCTTTTATCAT[TC>T]CACTATTGCATAAATCCCAACCTGGCAACATCAGTGAGAAATTATCTTCATTCAAAGAAA-3'